The following is an entry in ClinVar:

NM_000051.4(ATM):c.3693_3695del (p.Leu1231_Ser1232delinsPhe)

Gene: ATM (ATM serine/threonine kinase; plus strand). Cytogenetic location: 11q22.3.
Variant type: Deletion.
Coding change: c.3693_3695del on transcript NM_000051.4 (MANE Select); coding-DNA positions 3693 to 3695, 3 bases deleted (ATC; older notation c.3693_3695delATC).
Protein change: p.Leu1231_Ser1232delinsPhe.
Molecular consequence: inframe indel.
Genome position (GRCh38, 1-based): chr11:108,282,826-108,282,828, ATC deleted. VCF-style (leftmost placement, unchanged base first): chr11-108282825-TATC-T. GRCh37 (hg19) VCF-style: chr11-108153552-TATC-T.
Other names: c.3693_3695delATC (NM_000051.3); c.3693_3695del, p.Leu1231_Ser1232delinsPhe (NM_001351834.2).
Identifiers: ClinVar variation 186997 (VCV000186997.33), dbSNP rs786203389, ClinGen allele CA196433.

ClinVar aggregate classification (germline): Uncertain significance. Review status: criteria provided, multiple submitters, no conflicts (2 of 4 stars). 8 submissions from 8 submitters: Uncertain significance (7). 1 of the submissions does not count toward it. Last evaluated 2025-11-01.

Conditions:
Hereditary cancer-predisposing syndrome. Also called: Hereditary Cancer Syndrome; Neoplastic Syndromes, Hereditary; Tumor predisposition; Hereditary neoplastic syndrome. Identifiers: Orphanet 140162, MedGen C0027672, MeSH D009386, MONDO:0015356.
Familial cancer of breast. Also called: BREAST CANCER, FAMILIAL; Hereditary breast cancer; hereditary breast carcinoma. Identifiers: Orphanet 227535, MedGen C0346153, MONDO:0016419, OMIM 114480. Disease mechanism: loss of function.
Ataxia-telangiectasia syndrome (AT). Also called: Ataxia-telangiectasia, complementation group D; AT, COMPLEMENTATION GROUP C; ATAXIA-TELANGIECTASIA, COMPLEMENTATION GROUP A; ATAXIA-TELANGIECTASIA, FRESNO VARIANT; Ataxia-telangiectasia; LOUIS-BAR SYNDROME. Identifiers: Orphanet 100, MedGen C0004135, MONDO:0008840, OMIM 208900.

Allele frequency attached by ClinVar (database versions not stated): gnomAD exomes below 0.00001; gnomAD 0.00001 and 0.00003; TOPMed 0.00005.

Submissions (8):

Labcorp Genetics (formerly Invitae), Labcorp
Classification: Uncertain significance for Ataxia-telangiectasia syndrome. Last evaluated: 2025-11-01. Review status: criteria provided, single submitter. Criteria: Invitae Variant Classification Sherloc (09022015). Collection method: clinical testing. Allele origin: germline.
Comment: This variant, c.3693_3695del, is a complex sequence change that results in the deletion of 2 and insertion of 1 amino acid(s) in the ATM protein (p.Leu1231_Ser1232delinsPhe). This variant is present in population databases (rs786203389, gnomAD 0.003%). This variant has been observed in individual(s) with breast cancer (PMID: 31206626). ClinVar contains an entry for this variant (Variation ID: 186997). Experimental studies and prediction algorithms are not available or were not evaluated, and the functional significance of this variant is currently unknown. In summary, the available evidence is currently insufficient to determine the role of this variant in disease. Therefore, it has been classified as a Variant of Uncertain Significance.

Ambry Genetics
Classification: Uncertain significance for Hereditary cancer-predisposing syndrome. Last evaluated: 2025-08-06. Review status: criteria provided, single submitter. Criteria: Ambry Variant Classification Scheme 2023. Collection method: clinical testing. Allele origin: germline.
Comment: The c.3693_3695delATC variant (also known as p.L1231_S1232delinsF) is located in coding exon 24 of the ATM gene. This variant results from an in-frame deletion of 3 nucleotides at positions 3693 and 3695. This results in the substitution of leucine and serine residues for a phenylalanine residue at codons 1231 and 1232. This variant was detected in 1/1054 Hispanic BRCA1/2-negative probands with hereditary breast cancer and 0/1189 controls (Weitzel JN et al. Cancer, 2019 Aug;125:2829-2836). This amino acid region is well conserved in available vertebrate species. In addition, this alteration is predicted to be deleterious by in silico analysis (Choi Y et al. PLoS ONE. 2012; 7(10):e46688). Based on the available evidence, the clinical significance of this variant remains unclear.

Color Diagnostics, LLC DBA Color Health
Classification: Uncertain significance for Hereditary cancer-predisposing syndrome. Last evaluated: 2024-10-29. Review status: criteria provided, single submitter. Criteria: ACMG Guidelines, 2015. Collection method: clinical testing. Allele origin: germline.
Comment: This variant causes an in-frame substitution of leucine and serine with phenylalanine in the ATM protein. To our knowledge, functional studies have not been reported for this variant. This variant has not been reported in individuals affected with ATM-related disorders in the literature. This variant has been identified in 1/248448 chromosomes in the general population by the Genome Aggregation Database (gnomAD). The available evidence is insufficient to determine the role of this variant in disease conclusively. Therefore, this variant is classified as a Variant of Uncertain Significance.

Baylor Genetics
Classification: Uncertain significance for Familial cancer of breast. Last evaluated: 2024-02-26. Review status: criteria provided, single submitter. Criteria: ACMG Guidelines, 2015. Collection method: clinical testing. Allele origin: unknown.

Quest Diagnostics Nichols Institute San Juan Capistrano
Classification: Uncertain significance. Last evaluated: 2024-01-29. Review status: criteria provided, single submitter. Criteria: Quest Diagnostics criteria. Collection method: clinical testing. Allele origin: unknown.

GeneDx
Classification: Uncertain significance. Last evaluated: 2023-01-20. Review status: criteria provided, single submitter. Criteria: GeneDx Variant Classification Process June 2021. Collection method: clinical testing. Allele origin: germline. Affected: yes.
Comment: Not observed at significant frequency in large population cohorts (gnomAD); In-frame deletion of two amino acids and insertion of one different amino acid in a non-repeat region; In silico analysis supports a deleterious effect on protein structure/function; Has not been previously published as pathogenic or benign to our knowledge; This variant is associated with the following publications: (PMID: 19781682)

Mendelics
Classification: Uncertain significance for Ataxia-telangiectasia syndrome. Last evaluated: 2018-07-02. Review status: criteria provided, single submitter. Criteria: Mendelics Assertion Criteria 2017. Collection method: clinical testing. Allele origin: unknown.

Natera, Inc.
Classification: Uncertain significance for Ataxia-telangiectasia. Last evaluated: 2021-01-04. Review status: no assertion criteria provided. Collection method: clinical testing. Allele origin: germline. Not counted in ClinVar's aggregate classification.

Literature cited by the submitters: PubMed 31206626 (cited by 3 submitters).